The following is an entry in ClinVar:

ClinVar aggregate classification (germline): Uncertain significance (1 of 4 stars; one submission).

Conditions:
Focal segmental glomerulosclerosis 7 (FSGS7). Identifiers: Orphanet 656, MedGen C4014925, MONDO:0014451, OMIM 616002.
Renal coloboma syndrome (PAPRS). Also called: PAPILLORENAL SYNDROME; COLOBOMA OF OPTIC NERVE WITH RENAL DISEASE; OPTIC COLOBOMA, VESICOURETERAL REFLUX, AND RENAL ANOMALIES; OPTIC NERVE COLOBOMA WITH RENAL DISEASE; RENAL-COLOBOMA SYNDROME WITH MACULAR ABNORMALITIES; PAPILLORENAL SYNDROME WITH MILD OCULAR ABNORMALITIES. Identifiers: Orphanet 1475, MedGen C1852759, MONDO:0007352, OMIM 120330.

gnomAD v4.1: 2 of 1,613,730 alleles (0.00012%); highest among the groups gnomAD compares: Admixed American, 0.0017%; no homozygotes.

Submission:

Labcorp Genetics (formerly Invitae), Labcorp
Classification: Uncertain significance for Renal coloboma syndrome; Focal segmental glomerulosclerosis 7. Last evaluated: 2025-06-05. Review status: criteria provided, single submitter. Criteria: Invitae Variant Classification Sherloc (09022015). Collection method: clinical testing. Allele origin: germline.
Comment: This sequence change replaces threonine, which is neutral and polar, with alanine, which is neutral and non-polar, at codon 288 of the PAX2 protein (p.Thr288Ala). This variant is present in population databases (no rsID available, gnomAD 0.003%). This variant has not been reported in the literature in individuals affected with PAX2-related conditions. An algorithm developed to predict the effect of missense changes on protein structure and function outputs the following: PolyPhen-2: "Benign". The alanine amino acid residue is found in multiple mammalian species, which suggests that this missense change does not adversely affect protein function. In summary, the available evidence is currently insufficient to determine the role of this variant in disease. Therefore, it has been classified as a Variant of Uncertain Significance.

NM_000278.5(PAX2):c.862A>G (p.Thr288Ala)

Gene: PAX2 (paired box 2; plus strand). Cytogenetic location: 10q24.31.
Variant type: single nucleotide variant.
Coding change: c.862A>G on transcript NM_000278.5 (MANE Select); coding-DNA position 862, A replaced by G.
Protein change: p.Thr288Ala; replaces threonine 288 with alanine.
Molecular consequence: missense variant.
Genome position (GRCh38, 1-based): chr10:100,809,179, A>G. VCF-style: chr10-100809179-A-G. GRCh37 (hg19) VCF-style: chr10-102568936-A-G.
Other names: c.955A>G, p.Thr319Ala (NM_001304569.2); c.931A>G, p.Thr311Ala (NM_003987.5, NM_003990.5); c.862A>G, p.Thr288Ala (NM_003988.5, NM_003989.5); short protein forms T311A, T319A, T288A.
Identifiers: ClinVar variation 4789124 (VCV004789124.1).